The following is an entry in ClinVar:

NM_003978.5(PSTPIP1):c.831G>T (p.Glu277Asp)

Gene: PSTPIP1 (proline-serine-threonine phosphatase interacting protein 1; plus strand). Cytogenetic location: 15q24.3.
Variant type: single nucleotide variant.
Coding change: c.831G>T on transcript NM_003978.5 (MANE Select); coding-DNA position 831, G replaced by T.
Protein change: p.Glu277Asp; replaces glutamic acid 277 with aspartic acid.
Molecular consequence: missense variant.
Genome position (GRCh38, 1-based): chr15:77,032,387, G>T. VCF-style: chr15-77032387-G-T. GRCh37 (hg19) VCF-style: chr15-77324728-G-T.
Other names: c.831G>T, p.Glu277Asp (NM_001321135.2, NM_001411086.1); c.804G>T, p.Glu268Asp (NM_001321136.2); c.1026G>T, p.Glu342Asp (NM_001321137.1); short protein forms E268D, E277D, E342D.
Identifiers: ClinVar variation 1014768 (VCV001014768.8), dbSNP rs990986006, ClinGen allele CA273760003.
Genomic context (GRCh38, chr15:77,032,387, plus strand): 5'-AGGCTGCAGCATAGACGCCGACATCGACAGTTTCATCCAGGCCAAGAGCACGGGCACAGA[G>T]CCCCCCGGTGAGGTCCGGCTTGCGGACAGCGCAGCCTCTAGGTGCATTGAGCCCCTGGGA-3'
Protein context (NP_003969.2, residues 267-287): SFIQAKSTGT[Glu277Asp]PPAPVPYQNY

ClinVar aggregate classification (germline): Uncertain significance. Review status: criteria provided, single submitter (1 of 4 stars). 2 submissions from 2 submitters: Uncertain significance (1). 1 of the submissions does not count toward it. Last evaluated 2025-02-17.

Conditions:
Pyogenic arthritis-pyoderma gangrenosum-acne syndrome (PAPA). Also called: FAMILIAL RECURRENT ARTHRITIS; PAPA SYNDROME. Identifiers: Orphanet 69126, MedGen C1858361, MONDO:0011462, OMIM 604416.

Allele frequency attached by ClinVar (database versions not stated): gnomAD exomes 0.00001; TOPMed 0.00003.
gnomAD v4.1: 15 of 1,612,542 alleles (0.00093%); highest among the groups gnomAD compares: East Asian, 0.0045%; no homozygotes.

Submissions (2):

Labcorp Genetics (formerly Invitae), Labcorp
Classification: Uncertain significance for Pyogenic arthritis-pyoderma gangrenosum-acne syndrome. Last evaluated: 2025-02-17. Review status: criteria provided, single submitter. Criteria: Invitae Variant Classification Sherloc (09022015). Collection method: clinical testing. Allele origin: germline.
Comment: This sequence change replaces glutamic acid, which is acidic and polar, with aspartic acid, which is acidic and polar, at codon 277 of the PSTPIP1 protein (p.Glu277Asp). This variant is present in population databases (no rsID available, gnomAD 0.003%). This missense change has been observed in individual(s) with clinical features of PAPA syndrome (PMID: 23571383, 26386126). ClinVar contains an entry for this variant (Variation ID: 1014768). Invitae Evidence Modeling of protein sequence and biophysical properties (such as structural, functional, and spatial information, amino acid conservation, physicochemical variation, residue mobility, and thermodynamic stability) indicates that this missense variant is not expected to disrupt PSTPIP1 protein function with a negative predictive value of 80%. Experimental studies have shown that this missense change does not substantially affect PSTPIP1 function (PMID: 35152348). In summary, the available evidence is currently insufficient to determine the role of this variant in disease. Therefore, it has been classified as a Variant of Uncertain Significance.

OMIM
Classification: Uncertain significance for VARIANT OF UNKNOWN SIGNIFICANCE. Last evaluated: 2024-09-23. Review status: no assertion criteria provided. Collection method: literature only. Allele origin: germline. Not counted in ClinVar's aggregate classification.

Literature cited by the submitters: PubMed 23571383 (cited by Labcorp Genetics (formerly Invitae), Labcorp); PubMed 26386126 (cited by Labcorp Genetics (formerly Invitae), Labcorp); PubMed 35152348 (cited by Labcorp Genetics (formerly Invitae), Labcorp); PubMed 27943240 (cited by OMIM).